The following is an entry in ClinVar:

ClinVar aggregate classification (germline): Uncertain significance (1 of 4 stars; one submission).

Allele frequency attached by ClinVar (database versions not stated): TOPMed below 0.00001.
gnomAD v4.1: 1 of 1,613,516 alleles (0.000062%); no homozygotes.

Submission:

Labcorp Genetics (formerly Invitae), Labcorp
Classification: Uncertain significance. Last evaluated: 2023-08-30. Review status: criteria provided, single submitter. Criteria: Invitae Variant Classification Sherloc (09022015). Collection method: clinical testing. Allele origin: germline.
Comment: This variant is not present in population databases (gnomAD no frequency). In summary, the available evidence is currently insufficient to determine the role of this variant in disease. Therefore, it has been classified as a Variant of Uncertain Significance. Advanced modeling of protein sequence and biophysical properties (such as structural, functional, and spatial information, amino acid conservation, physicochemical variation, residue mobility, and thermodynamic stability) performed at Invitae indicates that this missense variant is not expected to disrupt C3 protein function. This variant has not been reported in the literature in individuals affected with C3-related conditions. This sequence change replaces phenylalanine, which is neutral and non-polar, with leucine, which is neutral and non-polar, at codon 88 of the C3 protein (p.Phe88Leu).

NM_000064.4(C3):c.262T>C (p.Phe88Leu)

Gene: C3 (complement C3; minus strand). Cytogenetic location: 19p13.3.
Variant type: single nucleotide variant.
Coding change: c.262T>C on transcript NM_000064.4 (MANE Select); coding-DNA position 262, T replaced by C.
Protein change: p.Phe88Leu; replaces phenylalanine 88 with leucine.
Molecular consequence: missense variant.
Genome position (GRCh38, 1-based): chr19:6,719,216, A>G on the plus strand (T>C on the coding strand, the complement: C3 is on the minus strand). VCF-style: chr19-6719216-A-G. GRCh37 (hg19) VCF-style: chr19-6719227-A-G.
Other names: short protein forms F88L.
Identifiers: ClinVar variation 2992625 (VCV002992625.3), dbSNP rs1568229616, ClinGen allele CA403645670.